The following is an entry in ClinVar:

NM_001829.4(CLCN3):c.98G>T (p.Gly33Val)

Gene: CLCN3 (chloride voltage-gated channel 3; plus strand). Cytogenetic location: 4q33.
Variant type: single nucleotide variant.
Coding change: c.98G>T on transcript NM_001829.4 (MANE Select); coding-DNA position 98, G replaced by T.
Protein change: p.Gly33Val; replaces glycine 33 with valine.
Molecular consequence: missense variant.
Genome position (GRCh38, 1-based): chr4:169,636,026, G>T. VCF-style: chr4-169636026-G-T. GRCh37 (hg19) VCF-style: chr4-170557177-G-T.
Other names: c.98G>T, p.Gly33Val (NM_001243372.2, NM_173872.4); short protein forms G33V.
Identifiers: ClinVar variation 1723818 (VCV001723818.2), dbSNP rs1773492400, ClinGen allele CA358735043.
Genomic context (GRCh38, chr4:169,636,026, plus strand): 5'-GAAACAGCTACAACAGTATAACAAGTGCAAGTAGTGATGAGGAACTTTTAGATGGAGCAG[G>T]TGTTATTATGGACTTTCAAACATCTGAAGATGACAATTTATTAGATGGTGACACTGCAGT-3'
Protein context (NP_001820.2, residues 23-43): SSDEELLDGA[Gly33Val]VIMDFQTSED

ClinVar aggregate classification (germline): Uncertain significance (1 of 4 stars; one submission).

Allele frequency attached by ClinVar (database versions not stated): TOPMed below 0.00001.

Submission:

GeneDx
Classification: Uncertain significance. Last evaluated: 2022-05-11. Review status: criteria provided, single submitter. Criteria: GeneDx Variant Classification Process June 2021. Collection method: clinical testing. Allele origin: germline. Affected: yes.
Comment: Not observed at significant frequency in large population cohorts (gnomAD); In silico analysis supports that this missense variant has a deleterious effect on protein structure/function; Has not been previously published as pathogenic or benign to our knowledge